The following is an entry in ClinVar:

ClinVar aggregate classification (germline): Conflicting classifications of pathogenicity. Review status: criteria provided, conflicting classifications (1 of 4 stars). 7 submissions from 7 submitters: Pathogenic (4); Uncertain significance (1). 2 of the submissions do not count toward it. Last evaluated 2026-04-10.

Conditions:
CCBE1-related disorder. Also called: CCBE1-related condition.
Fetal anomalies with a likely genetic cause.
Hennekam lymphangiectasia-lymphedema syndrome 1 (HKLLS1). Also called: LYMPHATIC DYSPLASIA, GENERALIZED. Identifiers: Orphanet 2136, MedGen C4012050, MONDO:0009337, OMIM 235510.

Allele frequency attached by ClinVar (database versions not stated): gnomAD exomes 0.00004 and 0.00018; ExAC 0.00005; gnomAD 0.00006 and 0.00007; TOPMed 0.00008.
gnomAD v4.1: 271 of 1,596,906 alleles (0.017%); highest among the groups gnomAD compares: Non-Finnish European, 0.022%; no homozygotes.

Submissions (7):

Genetics Laboratory, Great Ormond Street Hospital NHS Foundation Trust, North Thames Genomic Laboratory Hub
Classification: Uncertain significance for Fetal anomalies with a likely genetic cause. Last evaluated: 2026-04-10. Review status: criteria provided, single submitter. Criteria: ACGS Best Practice Guidelines for Variant Classification in Rare Disease 2024 v1.2. Collection method: clinical testing. Allele origin: germline. Affected: yes.
Comment: PM2_moderate, PP3_supporting, PM3_moderate

GeneDx
Classification: Pathogenic. Last evaluated: 2026-02-01. Review status: criteria provided, single submitter. Criteria: GeneDx Variant Classification Process June 2021. Collection method: clinical testing. Allele origin: germline. Affected: yes.
Comment: Published functional studies demonstrate a damaging effect with reduced ability to rescue zebrafish ccbe1 knockdown morphants (PMID: 19935664); In silico analysis supports that this missense variant has a deleterious effect on protein structure/function; This variant is associated with the following publications: (PMID: 24167460, 19935664, 19911200, 34234628)

Labcorp Genetics (formerly Invitae), Labcorp
Classification: Pathogenic. Last evaluated: 2025-09-15. Review status: criteria provided, single submitter. Criteria: Invitae Variant Classification Sherloc (09022015). Collection method: clinical testing. Allele origin: germline.
Comment: This sequence change replaces cysteine, which is neutral and slightly polar, with serine, which is neutral and polar, at codon 75 of the CCBE1 protein (p.Cys75Ser). This variant is present in population databases (rs121908250, gnomAD 0.02%). This missense change has been observed in individuals with clinical features of Hennekam lymphangiectasia-lymphedema syndrome (PMID: 19911200, 19935664, 22239599, 23653581, 24167460). It has also been observed to segregate with disease in related individuals. ClinVar contains an entry for this variant (Variation ID: 445). Invitae Evidence Modeling of protein sequence and biophysical properties (such as structural, functional, and spatial information, amino acid conservation, physicochemical variation, residue mobility, and thermodynamic stability) indicates that this missense variant is expected to disrupt CCBE1 protein function with a positive predictive value of 80%. Experimental studies have shown that this missense change affects CCBE1 function (PMID: 19935664). For these reasons, this variant has been classified as Pathogenic.

PreventionGenetics, part of Exact Sciences
Classification: Pathogenic for CCBE1-related condition. Last evaluated: 2024-12-10. Review status: criteria provided, single submitter. Criteria: ACMG Guidelines, 2015. Collection method: clinical testing. Allele origin: germline.
Comment: The CCBE1 c.223T>A variant is predicted to result in the amino acid substitution p.Cys75Ser. This variant has been reported in the homozygous state in individuals/families with lymphatic dysplasia (Alders et al. 2009. PubMed ID: 19935664; Connell et al. 2009. PubMed ID: 19911200; Mendola et al. 2013. PubMed ID: 24167460). This variant is reported in 0.019% of alleles in individuals of African descent in gnomAD. This variant is interpreted as pathogenic.

Center for Pediatric Genomic Medicine, Children's Mercy Hospital and Clinics
Classification: Pathogenic. Last evaluated: 2016-06-20. Review status: criteria provided, single submitter. Criteria: ACMG Guidelines, 2015. Collection method: clinical testing. Allele origin: germline.

OMIM
Classification: Pathogenic for HENNEKAM LYMPHANGIECTASIA-LYMPHEDEMA SYNDROME 1. Last evaluated: 2010-02-01. Review status: no assertion criteria provided. Collection method: literature only. Allele origin: germline. Not counted in ClinVar's aggregate classification.

UniProtKB/Swiss-Prot
No classification provided. Condition: Hennekam lymphangiectasia-lymphedema syndrome. Review status: no classification provided. Collection method: not provided. Allele origin: germline. Not counted in ClinVar's aggregate classification.

Literature cited by the submitters: PubMed 19911200 (cited by Labcorp Genetics (formerly Invitae), Labcorp and OMIM); PubMed 19935664 (cited by Labcorp Genetics (formerly Invitae), Labcorp and OMIM); PubMed 22239599 (cited by Labcorp Genetics (formerly Invitae), Labcorp); PubMed 23653581 (cited by Labcorp Genetics (formerly Invitae), Labcorp); PubMed 24167460 (cited by Labcorp Genetics (formerly Invitae), Labcorp).

NM_133459.4(CCBE1):c.223T>A (p.Cys75Ser)

Gene: CCBE1 (collagen and calcium binding EGF domains 1; minus strand). Cytogenetic location: 18q21.32.
Variant type: single nucleotide variant.
Coding change: c.223T>A on transcript NM_133459.4 (MANE Select); coding-DNA position 223, T replaced by A.
Protein change: p.Cys75Ser; replaces cysteine 75 with serine.
Molecular consequence: missense variant.
Genome position (GRCh38, 1-based): chr18:59,480,228, A>T on the plus strand (T>A on the coding strand, the complement: CCBE1 is on the minus strand). VCF-style: chr18-59480228-A-T. GRCh37 (hg19) VCF-style: chr18-57147460-A-T.
Other names: c.223T>A, p.Cys75Ser (LRG_1209t1); short protein forms C75S.
Identifiers: ClinVar variation 445 (VCV000000445.14), dbSNP rs121908250, ClinGen allele CA278003.